The following is an entry in ClinVar:

ClinVar aggregate classification (germline): Pathogenic (1 of 4 stars; one submission).

Submission:

GeneDx
Classification: Pathogenic. Last evaluated: 2024-07-19. Review status: criteria provided, single submitter. Criteria: GeneDx Variant Classification Process June 2021. Collection method: clinical testing. Allele origin: germline. Affected: yes.
Comment: Occurs in the triple helical domain and replaces a glycine in a canonical Gly-X-Y repeat; missense substitution of a canonical glycine residue is expected to disrupt normal protein folding and function, and this is an established mechanism of disease (PMID: 34007986); Not observed at significant frequency in large population cohorts (gnomAD); In silico analysis supports that this missense variant has a deleterious effect on protein structure/function; Has not been previously published as pathogenic or benign to our knowledge; This variant is associated with the following publications: (PMID: 34007986)

NM_000089.4(COL1A2):c.1109G>A (p.Gly370Asp)

Gene: COL1A2 (collagen type I alpha 2 chain; plus strand). Cytogenetic location: 7q21.3.
Variant type: single nucleotide variant.
Coding change: c.1109G>A on transcript NM_000089.4 (MANE Select); coding-DNA position 1109, G replaced by A.
Protein change: p.Gly370Asp; replaces glycine 370 with aspartic acid.
Molecular consequence: missense variant.
Genome position (GRCh38, 1-based): chr7:94,410,439, G>A. VCF-style: chr7-94410439-G-A. GRCh37 (hg19) VCF-style: chr7-94039751-G-A.
Other names: short protein forms G370D.
Identifiers: ClinVar variation 3573488 (VCV003573488.1).
Genomic context (GRCh38, chr7:94,410,439, plus strand): 5'-ATTTTTTTACTCCCTCTTCTTTTGTTCTTTTCATTAAACAGGGCTCTGCTGGGCCCCAAG[G>A]TCCTCCTGGTCCCAGTGGTGAAGAAGGAAAGAGAGGCCCTAATGGGGAAGCTGGATCTGC-3'
Protein context (NP_000080.2, residues 360-380): KGEPGSAGPQ[Gly370Asp]PPGPSGEEGK